The following is an entry in ClinVar:

NM_001128159.3(VPS53):c.1218+57G>C

Genes: VPS53 (VPS53 subunit of GARP complex; minus strand), LOC126862457 (BRD4-independent group 4 enhancer GRCh37_chr17:504328-505527; plus strand). Cytogenetic location: 17p13.3.
Variant type: single nucleotide variant.
Coding change: c.1218+57G>C on transcript NM_001128159.3 (MANE Select); 57 bases into the intron after coding-DNA position 1218, G replaced by C.
Molecular consequence: intron variant.
Genome position (GRCh38, 1-based): chr17:601,738, C>G on the plus strand (G>C on the coding strand, the complement: VPS53 is on the minus strand). VCF-style: chr17-601738-C-G. GRCh37 (hg19) VCF-style: chr17-504978-C-G.
Other names: c.1131+57G>C (NM_018289.4); c.1218+57G>C (NM_001366253.2); c.624+57G>C (NM_001366254.2).
Identifiers: ClinVar variation 670839 (VCV000670839.5), dbSNP rs10521105, ClinGen allele CA14392139.

ClinVar aggregate classification (germline): Benign. Review status: criteria provided, multiple submitters, no conflicts (2 of 4 stars). 3 submissions from 3 submitters: Benign (3). Last evaluated 2021-07-14.

Conditions:
Pontocerebellar hypoplasia type 2E. Identifiers: Orphanet 247198, MedGen C4014488, MONDO:0014370, OMIM 615851.

Allele frequency attached by ClinVar (database versions not stated): 1000 Genomes Project 0.12041; 1000 Genomes Project 30x 0.11602; TOPMed 0.13904.
gnomAD v4.1: 248,827 of 1,388,922 alleles (18%); highest among the groups gnomAD compares: Middle Eastern, 27%; 24,807 homozygotes.

Submissions (3):

Genome-Nilou Lab
Classification: Benign for Pontocerebellar hypoplasia type 2E. Last evaluated: 2021-07-14. Review status: criteria provided, single submitter. Criteria: ACMG Guidelines, 2015. Collection method: clinical testing. Allele origin: germline. Affected: no.

GeneDx
Classification: Benign. Last evaluated: 2018-06-19. Review status: criteria provided, single submitter. Criteria: GeneDx Variant Classification (06012015). Collection method: clinical testing. Allele origin: germline. Affected: yes.
Comment: This variant is considered likely benign or benign based on one or more of the following criteria: it is a conservative change, it occurs at a poorly conserved position in the protein, it is predicted to be benign by multiple in silico algorithms, and/or has population frequency not consistent with disease.

Breakthrough Genomics
Classification: Benign. Review status: criteria provided, single submitter. Criteria: ACMG Guidelines, 2015. Collection method: not provided. Allele origin: germline. Inheritance: Autosomal recessive inheritance. Affected: yes.